The following is an entry in ClinVar:

ClinVar aggregate classification (germline): Uncertain significance. Review status: criteria provided, multiple submitters, no conflicts (2 of 4 stars). 3 submissions from 3 submitters: Uncertain significance (3). Last evaluated 2025-05-05.

Conditions:
Inborn genetic diseases. Identifiers: MedGen C0950123, MeSH D030342.
Fanconi anemia (FA). Also called: Fanconi's anemia. Identifiers: Orphanet 84, MedGen C0015625, MeSH D005199, MONDO:0019391.
Hereditary breast ovarian cancer syndrome. Also called: Hereditary breast and/or ovarian cancer syndrome; Hereditary breast and ovarian cancer syndrome (HBOC); Breast and ovarian cancer; Hereditary breast and ovarian cancer; BRCA1- and BRCA2-Associated Hereditary Breast and Ovarian Cancer; Hereditary breast and ovarian cancer syndrome. Identifiers: Orphanet 145, MedGen C0677776, MeSH D061325, MONDO:0003582. Disease mechanism: loss of function.

Allele frequency attached by ClinVar (database versions not stated): ExAC 0.00001; gnomAD 0.00002; gnomAD exomes 0.00006; 1000 Genomes Project 30x 0.00016; 1000 Genomes Project 0.00020.

Submissions (3):

Labcorp Genetics (formerly Invitae), Labcorp
Classification: Uncertain significance for Fanconi anemia. Last evaluated: 2025-05-05. Review status: criteria provided, single submitter. Criteria: Invitae Variant Classification Sherloc (09022015). Collection method: clinical testing. Allele origin: germline.
Comment: This sequence change replaces proline, which is neutral and non-polar, with serine, which is neutral and polar, at codon 1311 of the FANCM protein (p.Pro1311Ser). This variant is present in population databases (rs143997277, gnomAD 0.006%). This variant has not been reported in the literature in individuals affected with FANCM-related conditions. ClinVar contains an entry for this variant (Variation ID: 830249). An algorithm developed to predict the effect of missense changes on protein structure and function outputs the following: PolyPhen-2: "Benign". The serine amino acid residue is found in multiple mammalian species, which suggests that this missense change does not adversely affect protein function. In summary, the available evidence is currently insufficient to determine the role of this variant in disease. Therefore, it has been classified as a Variant of Uncertain Significance.

Ambry Genetics
Classification: Uncertain significance for Inborn genetic diseases. Last evaluated: 2025-02-15. Review status: criteria provided, single submitter. Criteria: Ambry Variant Classification Scheme 2023. Collection method: clinical testing. Allele origin: germline.
Comment: The p.P1311S variant (also known as c.3931C>T), located in coding exon 14 of the FANCM gene, results from a C to T substitution at nucleotide position 3931. The proline at codon 1311 is replaced by serine, an amino acid with similar properties. This amino acid position is conserved. In addition, this alteration is predicted to be tolerated by in silico analysis. Based on the available evidence, the clinical significance of this variant remains unclear.

Cancer Genomics Group, Japanese Foundation For Cancer Research
Classification: Uncertain significance for Hereditary breast and ovarian cancer syndrome. Last evaluated: 2019-05-01. Review status: criteria provided, single submitter. Criteria: ACMG Guidelines, 2015. Collection method: research. Allele origin: germline. Affected: yes.

NM_020937.4(FANCM):c.3931C>T (p.Pro1311Ser)

Gene: FANCM (FA complementation group M; plus strand). Cytogenetic location: 14q21.2.
Variant type: single nucleotide variant.
Coding change: c.3931C>T on transcript NM_020937.4 (MANE Select); coding-DNA position 3931, C replaced by T.
Protein change: p.Pro1311Ser; replaces proline 1311 with serine.
Molecular consequence: missense variant.
Genome position (GRCh38, 1-based): chr14:45,176,685, C>T. VCF-style: chr14-45176685-C-T. GRCh37 (hg19) VCF-style: chr14-45645888-C-T.
Other names: c.3853C>T, p.Pro1285Ser (NM_001308133.2); short protein forms P1285S, P1311S.
Identifiers: ClinVar variation 830249 (VCV000830249.13), dbSNP rs143997277, ClinGen allele CA7169600.
Genomic context (GRCh38, chr14:45,176,685, plus strand): 5'-AGTGGAACTGTTATTATCCCATCAAATGAAGATATGCAGAATCCAAATTATGTACATTTG[C>T]CACTGAGTGCAGCAAAAAATGAAGAATTGTTATCTCCTGGTTATTCTCAGTTTTCTTTAC-3'
Protein context (NP_065988.1, residues 1301-1321): DMQNPNYVHL[Pro1311Ser]LSAAKNEELL